The following is an entry in ClinVar:

NM_005188.4(CBL):c.2677C>T (p.Arg893Trp)

Gene: CBL (Cbl proto-oncogene; plus strand). Cytogenetic location: 11q23.3.
Variant type: single nucleotide variant.
Coding change: c.2677C>T on transcript NM_005188.4 (MANE Select); coding-DNA position 2677, C replaced by T.
Protein change: p.Arg893Trp; replaces arginine 893 with tryptophan.
Molecular consequence: missense variant.
Genome position (GRCh38, 1-based): chr11:119,299,737, C>T. VCF-style: chr11-119299737-C-T. GRCh37 (hg19) VCF-style: chr11-119170447-C-T.
Other names: short protein forms R893W.
Identifiers: ClinVar variation 372657 (VCV000372657.8), dbSNP rs368138875, ClinGen allele CA6318826.
Genomic context (GRCh38, chr11:119,299,737, plus strand): 5'-GACATCCAGAAAGCTTTGGTCATTGCCCAGAACAACATCGAGATGGCCAAAAACATCCTC[C>T]GGGAATTTGTTTCCATTTCTTCTCCTGCCCATGTAGCTACCTAGCACACCATCTCCCTGC-3'
Protein context (NP_005179.2, residues 883-903): NNIEMAKNIL[Arg893Trp]EFVSISSPAH

ClinVar aggregate classification (germline): Uncertain significance. Review status: criteria provided, multiple submitters, no conflicts (2 of 4 stars). 2 submissions from 2 submitters: Uncertain significance (2). Last evaluated 2025-12-14.

Conditions:
RASopathy. Also called: Noonan spectrum disorder; rasopathies. Identifiers: Orphanet 536391, MedGen C5555857, MONDO:0021060.

Allele frequency attached by ClinVar (database versions not stated): gnomAD exomes below 0.00001 and 0.00001; ExAC 0.00002; TOPMed 0.00002; gnomAD 0.00004; ESP Exome Variant Server 0.00008.
gnomAD v4.1: 12 of 1,614,070 alleles (0.00074%); highest among the groups gnomAD compares: African/African-American, 0.0027%; no homozygotes.

Submissions (2):

Labcorp Genetics (formerly Invitae), Labcorp
Classification: Uncertain significance for RASopathy. Last evaluated: 2025-12-14. Review status: criteria provided, single submitter. Criteria: Invitae Variant Classification Sherloc (09022015). Collection method: clinical testing. Allele origin: germline.
Comment: This sequence change replaces arginine, which is basic and polar, with tryptophan, which is neutral and slightly polar, at codon 893 of the CBL protein (p.Arg893Trp). This variant is present in population databases (rs368138875, gnomAD 0.003%). This variant has not been reported in the literature in individuals affected with CBL-related conditions. ClinVar contains an entry for this variant (Variation ID: 372657). Invitae Evidence Modeling of protein sequence and biophysical properties (such as structural, functional, and spatial information, amino acid conservation, physicochemical variation, residue mobility, and thermodynamic stability) indicates that this missense variant is expected to disrupt CBL protein function with a positive predictive value of 95%. In summary, the available evidence is currently insufficient to determine the role of this variant in disease. Therefore, it has been classified as a Variant of Uncertain Significance.

GeneDx
Classification: Uncertain significance. Last evaluated: 2015-08-27. Review status: criteria provided, single submitter. Criteria: GeneDx Variant Classification (06012015). Collection method: clinical testing. Allele origin: germline. Affected: yes.
Comment: The R893W variant has not been published as a pathogenic variant, nor has it been reported as a benign polymorphism to our knowledge. The NHLBI Exome Sequencing Project reports that R893W was observed in 1/8590 (0.01%) alleles from individuals of European background. The R893W variant is a non-conservative amino acid substitution, which is likely to impact secondary protein structure as these residues differ in polarity, charge, size and/or other properties. This substitution occurs at a position that is conserved across species. In silico analysis predicts this variant is probably damaging to the protein structure/function. Therefore, based on the currently available information, it is unclear whether this variant is a pathogenic variant or a rare benign variant.